The following is an entry in ClinVar:

NM_001367868.2(PLIN4):c.2044G>T (p.Ala682Ser)

Gene: PLIN4 (perilipin 4; minus strand). Cytogenetic location: 19p13.3.
Variant type: single nucleotide variant.
Coding change: c.2044G>T on transcript NM_001367868.2 (MANE Select); coding-DNA position 2044, G replaced by T.
Protein change: p.Ala682Ser; replaces alanine 682 with serine.
Molecular consequence: missense variant.
Genome position (GRCh38, 1-based): chr19:4,511,916, C>A on the plus strand (G>T on the coding strand, the complement: PLIN4 is on the minus strand). VCF-style: chr19-4511916-C-A. GRCh37 (hg19) VCF-style: chr19-4511928-C-A.
Other names: NM_001080400.1:c.2002G>T; c.2047G>T, p.Ala683Ser (NM_001393888.1, NM_001393889.1); c.2044G>T, p.Ala682Ser (NM_001393890.1, NM_001393891.1); short protein forms A682S, A683S.
Identifiers: ClinVar variation 2456631 (VCV002456631.10), dbSNP rs113818201, ClinGen allele CA9100370.
Genomic context (GRCh38, chr19:4,511,916, plus strand): 5'-TAGTGACTGTGTCCTTGGTGCCGGTCAGCACGGTCTTGGCCGTGTCTACACCTGTCTGGG[C>A]AGCCCCTTTGGCCACATTCACAGCACTGGTCACCCCACTGCCAAAGGTGTTCTTTGTACC-3'
Protein context (NP_001354797.1, residues 672-692): TSAVNVAKGA[Ala682Ser]QTGVDTAKTV

ClinVar aggregate classification (germline): Conflicting classifications of pathogenicity. Review status: criteria provided, conflicting classifications (1 of 4 stars). 2 submissions from 2 submitters: Uncertain significance (1); Likely benign (1). Last evaluated 2025-04-04.

Allele frequency attached by ClinVar (database versions not stated): ESP Exome Variant Server 0.00008; gnomAD 0.00011; gnomAD exomes 0.00016; ExAC 0.00027.
gnomAD v4.1: 264 of 1,597,230 alleles (0.017%); highest among the groups gnomAD compares: Middle Eastern, 0.18%; no homozygotes.

Submissions (2):

Ambry Genetics
Classification: Uncertain significance. Last evaluated: 2025-04-04. Review status: criteria provided, single submitter. Criteria: Ambry Variant Classification Scheme 2023. Collection method: clinical testing. Allele origin: germline.

CeGaT Center for Human Genetics Tuebingen
Classification: Likely benign. Last evaluated: 2025-03-01. Review status: criteria provided, single submitter. Criteria: CeGaT Center For Human Genetics Tuebingen Variant Classification Criteria Version 2. Collection method: clinical testing. Allele origin: germline. Affected: yes. Observed: 1 variant allele.
Comment: PLIN4: BP4, BS1